The following is an entry in ClinVar:

ClinVar aggregate classification (germline): Uncertain significance (1 of 4 stars; one submission).

Allele frequency attached by ClinVar (database versions not stated): gnomAD exomes below 0.00001.
gnomAD v4.1: 1 of 1,614,026 alleles (0.000062%); highest among the groups gnomAD compares: Non-Finnish European, 0.000085%; no homozygotes.

Submission:

Ambry Genetics
Classification: Uncertain significance. Last evaluated: 2021-06-15. Review status: criteria provided, single submitter. Criteria: Ambry Variant Classification Scheme 2023. Collection method: clinical testing. Allele origin: germline.
Comment: The p.D804N variant (also known as c.2410G>A), located in coding exon 23 of the KIF1B gene, results from a G to A substitution at nucleotide position 2410. The aspartic acid at codon 804 is replaced by asparagine, an amino acid with highly similar properties. This amino acid position is conserved. In addition, this alteration is predicted to be tolerated by in silico analysis. Since supporting evidence is limited at this time, the clinical significance of this alteration remains unclear.

NM_001365951.3(KIF1B):c.2548G>A (p.Asp850Asn)

Gene: KIF1B (kinesin family member 1B; plus strand). Cytogenetic location: 1p36.22.
Variant type: single nucleotide variant.
Coding change: c.2548G>A on transcript NM_001365951.3 (MANE Select); coding-DNA position 2548, G replaced by A.
Protein change: p.Asp850Asn; replaces aspartic acid 850 with asparagine.
Molecular consequence: missense variant.
Genome position (GRCh38, 1-based): chr1:10,324,768, G>A. VCF-style: chr1-10324768-G-A. GRCh37 (hg19) VCF-style: chr1-10384826-G-A.
Other names: c.2548G>A, p.Asp850Asn (NM_001365952.1); c.2410G>A, p.Asp804Asn (NM_015074.3); short protein forms D804N, D850N.
Identifiers: ClinVar variation 1790887 (VCV001790887.2), dbSNP rs2521629241, ClinGen allele CA338335390.